The following is an entry in ClinVar:

ClinVar aggregate classification (germline): Benign. Review status: criteria provided, multiple submitters, no conflicts (2 of 4 stars). 3 submissions from 3 submitters: Benign (3). Last evaluated 2026-01-24.

Conditions:
Mendelian susceptibility to mycobacterial diseases due to complete IL12RB1 deficiency. Also called: IL12RB1 DEFICIENCY; Immunodeficiency 30. Identifiers: Orphanet 319552, MedGen C4013949, MONDO:0013955, OMIM 614891.

Allele frequency attached by ClinVar (database versions not stated): gnomAD exomes 0.00115 and 0.00333; ExAC 0.00539; 1000 Genomes Project 0.01138; 1000 Genomes Project 30x 0.01280; gnomAD 0.01328 and 0.01431; TOPMed 0.01482; ESP Exome Variant Server 0.01615.

Submissions (3):

Labcorp Genetics (formerly Invitae), Labcorp
Classification: Benign for Mendelian susceptibility to mycobacterial diseases due to complete IL12RB1 deficiency. Last evaluated: 2026-01-24. Review status: criteria provided, single submitter. Criteria: Invitae Variant Classification Sherloc (09022015). Collection method: clinical testing. Allele origin: germline.

Illumina Laboratory Services, Illumina
Classification: Benign for Mendelian susceptibility to mycobacterial diseases due to complete IL12RB1 deficiency. Last evaluated: 2018-01-13. Review status: criteria provided, single submitter. Criteria: ICSL Variant Classification Criteria 13 December 2019. Collection method: clinical testing. Allele origin: germline.
Comment: This variant was observed in the ICSL laboratory as part of a predisposition screen in an ostensibly healthy population. It had not been previously curated by ICSL or reported in the Human Gene Mutation Database (HGMD: prior to June 1st, 2018), and was therefore a candidate for classification through an automated scoring system. Utilizing variant allele frequency, disease prevalence and penetrance estimates, and inheritance mode, an automated score was calculated to assess if this variant is too frequent to cause the disease. Based on the score and internal cut-off values, a variant classified as benign is not then subjected to further curation. The score for this variant resulted in a classification of benign for this disease.

Breakthrough Genomics
Classification: Benign. Review status: criteria provided, single submitter. Criteria: ACMG Guidelines, 2015. Collection method: not provided. Allele origin: germline. Inheritance: Autosomal recessive inheritance. Affected: yes.

NM_005535.3(IL12RB1):c.139C>T (p.Pro47Ser)

Gene: IL12RB1 (interleukin 12 receptor subunit beta 1; minus strand). Cytogenetic location: 19p13.11.
Variant type: single nucleotide variant.
Coding change: c.139C>T on transcript NM_005535.3 (MANE Select); coding-DNA position 139, C replaced by T.
Protein change: p.Pro47Ser; replaces proline 47 with serine.
Molecular consequence: missense variant.
Genome position (GRCh38, 1-based): chr19:18,082,250, G>A on the plus strand (C>T on the coding strand, the complement: IL12RB1 is on the minus strand). VCF-style: chr19-18082250-G-A. GRCh37 (hg19) VCF-style: chr19-18193060-G-A.
Other names: c.139C>T, p.Pro47Ser (NM_001290023.2, NM_153701.3); c.259C>T, p.Pro87Ser (NM_001290024.2); short protein forms P47S, P87S.
Identifiers: ClinVar variation 328604 (VCV000328604.16), dbSNP rs17887176, ClinGen allele CA9305321.